The following is an entry in ClinVar:

NM_144643.4(SCLT1):c.1859C>A (p.Thr620Asn)

Gene: SCLT1 (sodium channel and clathrin linker 1; minus strand). Cytogenetic location: 4q28.2.
Variant type: single nucleotide variant.
Coding change: c.1859C>A on transcript NM_144643.4 (MANE Select); coding-DNA position 1859, C replaced by A.
Protein change: p.Thr620Asn; replaces threonine 620 with asparagine.
Molecular consequence: missense variant.
Genome position (GRCh38, 1-based): chr4:128,891,108, G>T on the plus strand (C>A on the coding strand, the complement: SCLT1 is on the minus strand). VCF-style: chr4-128891108-G-T. GRCh37 (hg19) VCF-style: chr4-129812263-G-T.
Other names: short protein forms T620N.
Identifiers: ClinVar variation 2106709 (VCV002106709.4), dbSNP rs2530096383, ClinGen allele CA358188255.

ClinVar aggregate classification (germline): Uncertain significance (1 of 4 stars; one submission).

Submission:

Labcorp Genetics (formerly Invitae), Labcorp
Classification: Uncertain significance. Last evaluated: 2022-03-04. Review status: criteria provided, single submitter. Criteria: Invitae Variant Classification Sherloc (09022015). Collection method: clinical testing. Allele origin: germline.
Comment: In summary, the available evidence is currently insufficient to determine the role of this variant in disease. Therefore, it has been classified as a Variant of Uncertain Significance. This variant is not present in population databases (gnomAD no frequency). Algorithms developed to predict the effect of missense changes on protein structure and function are either unavailable or do not agree on the potential impact of this missense change (SIFT: "Tolerated"; PolyPhen-2: "Probably Damaging"; Align-GVGD: "Class C0"). This variant has not been reported in the literature in individuals affected with SCLT1-related conditions. This sequence change replaces threonine, which is neutral and polar, with asparagine, which is neutral and polar, at codon 620 of the SCLT1 protein (p.Thr620Asn).